The following is an entry in ClinVar:

ClinVar aggregate classification (germline): Uncertain significance (1 of 4 stars; one submission).

Conditions:
Familial thoracic aortic aneurysm and aortic dissection (TAAD). Also called: Thoracic aortic aneurysms and dissections. Identifiers: Orphanet 91387, MedGen C4707243, MONDO:0019625.

Submission:

Ambry Genetics
Classification: Uncertain significance for Familial thoracic aortic aneurysm and aortic dissection. Last evaluated: 2026-07-19. Review status: criteria provided, single submitter. Criteria: Ambry Variant Classification Scheme 2023. Collection method: clinical testing. Allele origin: germline.
Comment: The p.G1128A variant (also known as c.3383G>C), located in coding exon 48 of the COL5A2 gene, results from a G to C substitution at nucleotide position 3383. The glycine at codon 1128 is replaced by alanine, an amino acid with similar properties. This amino acid position is conserved. In addition, this alteration is predicted to be deleterious by in silico analysis. Based on the available evidence, the clinical significance of this variant remains unclear.

NM_000393.5(COL5A2):c.3383G>C (p.Gly1128Ala)

Gene: COL5A2 (collagen type V alpha 2 chain; minus strand). Cytogenetic location: 2q32.2.
Variant type: single nucleotide variant.
Coding change: c.3383G>C on transcript NM_000393.5 (MANE Select); coding-DNA position 3383, G replaced by C.
Protein change: p.Gly1128Ala; replaces glycine 1128 with alanine.
Molecular consequence: missense variant.
Genome position (GRCh38, 1-based): chr2:189,043,239, C>G on the plus strand (G>C on the coding strand, the complement: COL5A2 is on the minus strand). VCF-style: chr2-189043239-C-G. GRCh37 (hg19) VCF-style: chr2-189907965-C-G.
Other names: short protein forms G1128A.
Identifiers: ClinVar variation 5034832 (VCV005034832.1).
Genomic context (GRCh38, chr2:189,043,239, plus strand): 5'-GTAAAGCCTCTGTGGCCCTTCTGACCTCTGTCACCTCGGTCTCCATGATCACCTTTGTCA[C>G]CACGAGGTCCTTGGGGTCCCTAGAAATAGAGATATGGCATGAAAATTACTTGCTACATAT-3'
Protein context (NP_000384.2, residues 1118-1138): RGLPGPQGPR[Gly1128Ala]DKGDHGDRGD